The following is an entry in ClinVar:

NM_014967.5(FAN1):c.1375+1G>A

Gene: FAN1 (FANCD2 and FANCI associated nuclease 1; plus strand). Cytogenetic location: 15q13.3.
Variant type: single nucleotide variant.
Coding change: c.1375+1G>A on transcript NM_014967.5 (MANE Select); the canonical splice donor site of the intron after coding-DNA position 1375, G replaced by A.
Molecular consequence: splice donor variant.
Genome position (GRCh38, 1-based): chr15:30,908,259, G>A. VCF-style: chr15-30908259-G-A. GRCh37 (hg19) VCF-style: chr15-31200462-G-A.
Other names: IVS3DS, G-A, +1; c.1375+1G>A (NM_001146095.1, NM_001146096.2, NM_001146094.2).
Identifiers: ClinVar variation 37099 (VCV000037099.4), dbSNP rs1305708707, ClinGen allele CA391509018.

ClinVar aggregate classification (germline): Pathogenic/Likely pathogenic. Review status: criteria provided, multiple submitters, no conflicts (2 of 4 stars). 3 submissions from 3 submitters: Pathogenic (1); Likely pathogenic (1). 1 of the submissions does not count toward it. Last evaluated 2025-01-17.

Conditions:
Karyomegalic interstitial nephritis. Identifiers: Orphanet 401996, MedGen C3553774, MONDO:0013898, OMIM 614817.

Allele frequency attached by ClinVar (database versions not stated): TOPMed below 0.00001.
gnomAD v4.1: 5 of 1,592,440 alleles (0.00031%); highest among the groups gnomAD compares: Non-Finnish European, 0.00043%; no homozygotes.

Submissions (3):

First Genomix Gene Laboratory, Genetic Diagnostics Department
Classification: Pathogenic for Karyomegalic interstitial nephritis. Last evaluated: 2025-01-17. Review status: criteria provided, single submitter. Criteria: ACMG Guidelines, 2015. Collection method: clinical testing. Allele origin: germline. Inheritance: Autosomal recessive inheritance. Affected: no. Observed: 1 variant allele.

Fulgent Genetics
Classification: Likely pathogenic for Karyomegalic interstitial nephritis. Last evaluated: 2024-03-21. Review status: criteria provided, single submitter. Criteria: ACMG Guidelines, 2015. Collection method: clinical testing. Allele origin: germline.

OMIM
Classification: Pathogenic for INTERSTITIAL NEPHRITIS, KARYOMEGALIC. Last evaluated: 2012-07-08. Review status: no assertion criteria provided. Collection method: literature only. Allele origin: germline. Not counted in ClinVar's aggregate classification.

Literature cited by the submitters: PubMed 22772369 (cited by OMIM).